The following is an entry in ClinVar:

ClinVar aggregate classification (germline): Pathogenic (1 of 4 stars; one submission).

Conditions:
Fetal akinesia deformation sequence 1 (FADS1). Also called: Fetal akinesia sequence; Pena-Shokeir syndrome type I. Identifiers: Orphanet 994, MedGen C1276035, MONDO:0100101, OMIM 208150, HP:0001989.
Congenital myasthenic syndrome 10. Also called: Myasthenia, limb-girdle, familial. Identifiers: Orphanet 590, MedGen C1850792, MONDO:0009690, OMIM 254300.

Submission:

Labcorp Genetics (formerly Invitae), Labcorp
Classification: Pathogenic for Congenital myasthenic syndrome 10; Fetal akinesia deformation sequence 1. Last evaluated: 2022-10-30. Review status: criteria provided, single submitter. Criteria: Invitae Variant Classification Sherloc (09022015). Collection method: clinical testing. Allele origin: germline.
Comment: For these reasons, this variant has been classified as Pathogenic. This variant disrupts a region of the DOK7 protein in which other variant(s) (p.Ala378Serfs*30) have been determined to be pathogenic (PMID: 16917026, 17452375, 20012313, 22661499). This suggests that this is a clinically significant region of the protein, and that variants that disrupt it are likely to be disease-causing. This variant has not been reported in the literature in individuals affected with DOK7-related conditions. This variant is not present in population databases (gnomAD no frequency). This sequence change creates a premature translational stop signal (p.Ser155Thrfs*90) in the DOK7 gene. While this is not anticipated to result in nonsense mediated decay, it is expected to disrupt the last 350 amino acid(s) of the DOK7 protein.

Literature cited by the submitters: PubMed 16917026; PubMed 17452375; PubMed 20012313; PubMed 22661499.

NM_173660.5(DOK7):c.463_466del (p.Ser155fs)

Gene: DOK7 (docking protein 7; plus strand). Cytogenetic location: 4p16.3.
Variant type: Deletion.
Coding change: c.463_466del on transcript NM_173660.5 (MANE Select); coding-DNA positions 463 to 466, 4 bases deleted (TCTG; older notation c.463_466delTCTG).
Protein change: p.Ser155fs; shifts the reading frame from serine 155.
Molecular consequence: frameshift variant. On other transcripts: intron variant (1).
Genome position (GRCh38, 1-based): chr4:3,476,473-3,476,476, TCTG deleted; deleting any 4 consecutive bases within chr4:3,476,470-3,476,476 gives the same sequence; the c. name uses the placement nearest the transcript's 3' end. VCF-style (leftmost placement, unchanged base first): chr4-3476469-GCTGT-G. GRCh37 (hg19) VCF-style: chr4-3478196-GCTGT-G.
Other names: c.463_466del, p.Ser155fs (NM_001164673.2, NM_001301071.2); c.101-9066_101-9063del (NM_001363811.2); short protein forms S155fs.
Identifiers: ClinVar variation 2934428 (VCV002934428.3), dbSNP rs2475008871, ClinGen allele CA2740091100.
Genomic context (GRCh38, chr4:3,476,469, plus strand): 5'-CTGCAATGATGTCCTCGTCTTGGCCAGGGACATCCCCCCGGCTGTCACGGGGCAGTGGAA[GCTGT>G]CTGACCTCCGGCGCTACGGGGCCGTGCCAAGCGGATTCATCTTTGAAGGCGGGACCAGGT-3'